The following is an entry in ClinVar:

NM_001348800.3(ZBTB20):c.820C>G (p.Leu274Val)

Gene: ZBTB20 (zinc finger and BTB domain containing 20; minus strand). Cytogenetic location: 3q13.31.
Variant type: single nucleotide variant.
Coding change: c.820C>G on transcript NM_001348800.3 (MANE Select); coding-DNA position 820, C replaced by G.
Protein change: p.Leu274Val; replaces leucine 274 with valine.
Molecular consequence: missense variant.
Genome position (GRCh38, 1-based): chr3:114,351,258, G>C on the plus strand (C>G on the coding strand, the complement: ZBTB20 is on the minus strand). VCF-style: chr3-114351258-G-C. GRCh37 (hg19) VCF-style: chr3-114070105-G-C.
Other names: c.820C>G, p.Leu274Val (NM_001164342.2, NM_001348803.3, NM_001393393.1 and 1 more transcripts); c.601C>G, p.Leu201Val (NM_001164343.2, NM_001164344.4, NM_001164345.4 and 9 more transcripts); short protein forms L201V, L274V.
Identifiers: ClinVar variation 4203704 (VCV004203704.2).
Genomic context (GRCh38, chr3:114,351,258, plus strand): 5'-GCTCATGGATGCGTGTGATCCAGCTGGGGTCTTCCATGTGGTGGTCGCGGGGCAGGCCGA[G>C]CGCAGTCTCGTGGTGGCTGACCACTGCGCCGCTGTAAAAAGAGCGCTCGCCGCTGCCATT-3'
Protein context (NP_001335729.1, residues 264-284): GAVVSHHETA[Leu274Val]GLPRDHHMED

ClinVar aggregate classification (germline): Uncertain significance. Review status: criteria provided, multiple submitters, no conflicts (2 of 4 stars). 2 submissions from 2 submitters: Uncertain significance (2). Last evaluated 2025-08-20.

Conditions:
Inborn genetic diseases. Identifiers: MedGen C0950123, MeSH D030342.

gnomAD v4.1: 12 of 1,601,144 alleles (0.00075%); highest among the groups gnomAD compares: South Asian, 0.013%; no homozygotes.

Submissions (2):

Labcorp Genetics (formerly Invitae), Labcorp
Classification: Uncertain significance. Last evaluated: 2025-08-20. Review status: criteria provided, single submitter. Criteria: Invitae Variant Classification Sherloc (09022015). Collection method: clinical testing. Allele origin: germline.
Comment: This sequence change replaces leucine, which is neutral and non-polar, with valine, which is neutral and non-polar, at codon 274 of the ZBTB20 protein (p.Leu274Val). This variant is present in population databases (no rsID available, gnomAD 0.01%). This variant has not been reported in the literature in individuals affected with ZBTB20-related conditions. Invitae Evidence Modeling of protein sequence and biophysical properties (such as structural, functional, and spatial information, amino acid conservation, physicochemical variation, residue mobility, and thermodynamic stability) indicates that this missense variant is not expected to disrupt ZBTB20 protein function with a negative predictive value of 95%. In summary, the available evidence is currently insufficient to determine the role of this variant in disease. Therefore, it has been classified as a Variant of Uncertain Significance.

Ambry Genetics
Classification: Uncertain significance for Inborn genetic diseases. Last evaluated: 2025-08-01. Review status: criteria provided, single submitter. Criteria: Ambry Variant Classification Scheme 2023. Collection method: clinical testing. Allele origin: germline.